The following is an entry in ClinVar:

NM_001267550.2(TTN):c.41436G>A (p.Trp13812Ter)

Gene: TTN (titin; minus strand). Cytogenetic location: 2q31.2.
Variant type: single nucleotide variant.
Coding change: c.41436G>A on transcript NM_001267550.2 (MANE Select); coding-DNA position 41436, G replaced by A.
Protein change: p.Trp13812Ter; replaces tryptophan 13812 with a stop codon.
Molecular consequence: nonsense.
Genome position (GRCh38, 1-based): chr2:178,636,135, C>T on the plus strand (G>A on the coding strand, the complement: TTN is on the minus strand). VCF-style: chr2-178636135-C-T. GRCh37 (hg19) VCF-style: chr2-179500862-C-T.
Other names: c.36513G>A, p.Trp12171Ter (NM_001256850.1); c.14241G>A, p.Trp4747Ter (NM_003319.4); c.33732G>A, p.Trp11244Ter (NM_133378.4); c.14616G>A, p.Trp4872Ter (NM_133432.3); c.14817G>A, p.Trp4939Ter (NM_133437.4); short protein forms W11244*, W4747*, W4939*, W12171*, W13812*, W4872*.
Identifiers: ClinVar variation 959245 (VCV000959245.11), dbSNP rs2060408042, ClinGen allele CA349658735.
Genomic context (GRCh38, chr2:178,636,135, plus strand): 5'-GCCAATGACGCCTGGCACAATTCGGCCAGGTTTCTCCACCACAATCTTGCCATCCTTCCT[C>T]CAGACCACGTCACGCTCTTTGTTTAACTCGCAGCTCAAGTACAATGGCTGTCCTTTGACC-3'

ClinVar aggregate classification (germline): Likely pathogenic. Review status: criteria provided, multiple submitters, no conflicts (2 of 4 stars). 2 submissions from 2 submitters: Likely pathogenic (2). Last evaluated 2025-05-08.

Conditions:
Dilated cardiomyopathy 1G (CMD1G). Identifiers: Orphanet 154, MedGen C1858763, MONDO:0011400, OMIM 604145.
Autosomal recessive limb-girdle muscular dystrophy type 2J (LGMDR10). Also called: Limb-girdle muscular dystrophy, type 2J; MUSCULAR DYSTROPHY, LIMB-GIRDLE, AUTOSOMAL RECESSIVE 10. Identifiers: Orphanet 140922, MedGen C1837342, MONDO:0012127, OMIM 608807.
Cardiovascular phenotype. Identifiers: MedGen CN230736.

Submissions (2):

Ambry Genetics
Classification: Likely pathogenic for Cardiovascular phenotype. Last evaluated: 2025-05-08. Review status: criteria provided, single submitter. Criteria: Ambry Variant Classification Scheme 2023. Collection method: clinical testing. Allele origin: germline.
Comment: The p.W4747* variant (also known as c.14241G>A), located in coding exon 53 of the TTN gene, results from a G to A substitution at nucleotide position 14241. This changes the amino acid from a tryptophan to a stop codon within coding exon 53. This exon is located in the I-band region of the N2-B isoform of the titin protein and is constitutively expressed in TTN transcripts (percent spliced in or PSI 100%). This variant was reported in individual(s) with features consistent with dilated cardiomyopathy (Ambry internal data). This variant is considered to be rare based on population cohorts in the Genome Aggregation Database (gnomAD). This variant is expected to result in loss of function by premature protein truncation or nonsense-mediated mRNA decay. While truncating variants in TTN are present in 1-3% of the general population, truncating variants in the A-band are the most common cause of dilated cardiomyopathy (Herman DS et al. N. Engl. J. Med., 2012 Feb;366:619-28; Roberts AM et al. Sci Transl Med, 2015 Jan;7:270ra6). TTN truncating variants encoded in constitutive exons (PSI >90%) have been found to be significantly associated with DCM regardless of their position in titin (Schafer S et al. Nat. Genet., 2017 01;49:46-53; Akhtar MM et al. Circ Heart Fail, 2020 Oct;13:e006832; Massier M et al. Clin Genet, 2025 Jan). Based on the majority of available evidence to date, this variant is likely to be pathogenic.

Labcorp Genetics (formerly Invitae), Labcorp
Classification: Likely pathogenic for Dilated cardiomyopathy 1G; Autosomal recessive limb-girdle muscular dystrophy type 2J. Last evaluated: 2024-10-18. Review status: criteria provided, single submitter. Criteria: Invitae Variant Classification Sherloc (09022015). Collection method: clinical testing. Allele origin: germline.
Comment: This sequence change creates a premature translational stop signal (p.Trp13812*) in the TTN gene. While this is not anticipated to result in nonsense mediated decay, it is expected to create a truncated TTN protein. This variant is not present in population databases (gnomAD no frequency). This variant has not been reported in the literature in individuals affected with TTN-related conditions. ClinVar contains an entry for this variant (Variation ID: 959245). This variant is located in the I band of TTN (PMID: 25589632). Truncating variants in this region have been reported in individuals affected with autosomal recessive centronuclear myopathy (PMID: 23975875, internal data). Truncating variants in this region have also been identified in individuals affected with autosomal dominant dilated cardiomyopathy and/or cardio-related conditions (PMID: 27869827, 32964742, internal data). In summary, the currently available evidence indicates that the variant is pathogenic, but additional data are needed to prove that conclusively. Therefore, this variant has been classified as Likely Pathogenic.

Literature cited by the submitters: PubMed 25589632 (cited by Labcorp Genetics (formerly Invitae), Labcorp); PubMed 23975875 (cited by Labcorp Genetics (formerly Invitae), Labcorp); PubMed 27869827 (cited by Labcorp Genetics (formerly Invitae), Labcorp); PubMed 32964742 (cited by Labcorp Genetics (formerly Invitae), Labcorp).